The following is an entry in ClinVar:

ClinVar aggregate classification (germline): Likely benign. Review status: criteria provided, multiple submitters, no conflicts (2 of 4 stars). 2 submissions from 2 submitters: Likely benign (2). Last evaluated 2024-10-30.

Allele frequency attached by ClinVar (database versions not stated): gnomAD exomes below 0.00001.
gnomAD v4.1: 2 of 1,614,028 alleles (0.00012%); highest among the groups gnomAD compares: Non-Finnish European, 0.000085%; no homozygotes.

Submissions (2):

Labcorp Genetics (formerly Invitae), Labcorp
Classification: Likely benign. Last evaluated: 2024-10-30. Review status: criteria provided, single submitter. Criteria: Invitae Variant Classification Sherloc (09022015). Collection method: clinical testing. Allele origin: germline.

CeGaT Center for Human Genetics Tuebingen
Classification: Likely benign. Last evaluated: 2022-05-01. Review status: criteria provided, single submitter. Criteria: CeGaT Center For Human Genetics Tuebingen Variant Classification Criteria Version 2. Collection method: clinical testing. Allele origin: germline. Affected: yes. Observed: 1 variant allele.
Comment: SPEG: BP4, BP7

NM_005876.5(SPEG):c.9276G>C (p.Leu3092=)

Genes: ASIC4-AS1 (ASIC4 antisense RNA 1; minus strand), SPEG (striated muscle enriched protein kinase; plus strand). Cytogenetic location: 2q35.
Variant type: single nucleotide variant.
Coding change: c.9276G>C on transcript NM_005876.5 (MANE Select); coding-DNA position 9276, G replaced by C.
Protein change: p.Leu3092=; no amino-acid change (leucine 3092 retained).
Molecular consequence: synonymous variant.
Genome position (GRCh38, 1-based): chr2:219,490,847, G>C. VCF-style: chr2-219490847-G-C. GRCh37 (hg19) VCF-style: chr2-220355569-G-C.
Identifiers: ClinVar variation 1695006 (VCV001695006.33), dbSNP rs1426493340, ClinGen allele CA431288726.
Genomic context (GRCh38, chr2:219,490,847, plus strand): 5'-CCTGGACTACCTCCACGGCCACCACGTGCTCCACCTAGACATCAAGCCAGACAACCTGCT[G>C]CTGGCCCCTGACAATGCCCTCAAGATTGTGGACTTTGGCAGTGCCCAGCCCTACAACCCC-3'
Protein context (NP_005867.3, residues 3082-3102): LHLDIKPDNL[Leu3092=]LAPDNALKIV